The following is an entry in ClinVar:

NM_001382241.1(TNPO2):c.1913T>G (p.Met638Arg)

Gene: TNPO2 (transportin 2; minus strand). Cytogenetic location: 19p13.13.
Variant type: single nucleotide variant.
Coding change: c.1913T>G on transcript NM_001382241.1 (MANE Select); coding-DNA position 1913, T replaced by G.
Protein change: p.Met638Arg; replaces methionine 638 with arginine.
Molecular consequence: missense variant. On other transcripts: non-coding transcript variant (6).
Genome position (GRCh38, 1-based): chr19:12,705,349, A>C on the plus strand (T>G on the coding strand, the complement: TNPO2 is on the minus strand). VCF-style: chr19-12705349-A-C. GRCh37 (hg19) VCF-style: chr19-12816163-A-C.
Other names: c.1913T>G, p.Met638Arg (NM_001136195.2, NM_001136196.2, NM_001382236.1 and 7 more transcripts); short protein forms M638R.
Identifiers: ClinVar variation 1314789 (VCV001314789.2), dbSNP rs2145483326, ClinGen allele CA404238870.

ClinVar aggregate classification (germline): Uncertain significance (1 of 4 stars; one submission).

Submission:

GeneDx
Classification: Uncertain significance. Last evaluated: 2020-02-13. Review status: criteria provided, single submitter. Criteria: GeneDx Variant Classification Process June 2021. Collection method: clinical testing. Allele origin: germline. Affected: yes.
Comment: Has not been previously published as pathogenic or benign to our knowledge; Not observed in large population cohorts (Lek et al., 2016); In silico analysis supports that this missense variant has a deleterious effect on protein structure/function; Variants in candidate genes are classified as variants of uncertain significance in accordance with ACMG guidelines (Richards et al., 2015)